The following is an entry in ClinVar:

NM_001375380.1(EBF3):c.173C>G (p.Pro58Arg)

Gene: EBF3 (EBF transcription factor 3; minus strand). Cytogenetic location: 10q26.3.
Variant type: single nucleotide variant.
Coding change: c.173C>G on transcript NM_001375380.1 (MANE Select); coding-DNA position 173, C replaced by G.
Protein change: p.Pro58Arg; replaces proline 58 with arginine.
Molecular consequence: missense variant.
Genome position (GRCh38, 1-based): chr10:129,963,485, G>C on the plus strand (C>G on the coding strand, the complement: EBF3 is on the minus strand). VCF-style: chr10-129963485-G-C. GRCh37 (hg19) VCF-style: chr10-131761749-G-C.
Other names: c.173C>G, p.Pro58Arg (NM_001005463.3, NM_001375379.1, NM_001375389.1 and 3 more transcripts); c.173C>G (NM_001005463.2); short protein forms P58R.
Identifiers: ClinVar variation 806582 (VCV000806582.46), dbSNP rs1589974610, ClinGen allele CA378911360.

ClinVar aggregate classification (germline): Conflicting classifications of pathogenicity. Review status: criteria provided, conflicting classifications (1 of 4 stars). 3 submissions from 3 submitters: Pathogenic (1); Likely pathogenic (1); Uncertain significance (1). Last evaluated 2026-09-14.

Conditions:
Hypotonia, ataxia, and delayed development syndrome (HADDS). Also called: EBF3 Neurodevelopmental Disorder. Identifiers: Orphanet 658843, MedGen C4310618, MONDO:0015021, OMIM 617330.

Submissions (3):

GeneDx
Classification: Pathogenic. Last evaluated: 2026-09-14. Review status: criteria provided, single submitter. Criteria: GeneDx Variant Classification Process June 2021. Collection method: clinical testing. Allele origin: germline.
Comment: Not observed at significant frequency in large population cohorts (gnomAD); In silico analysis supports that this missense variant has a deleterious effect on protein structure/function; Has not been previously published as pathogenic or benign to our knowledge

CeGaT Center for Human Genetics Tuebingen
Classification: Uncertain significance. Last evaluated: 2019-02-01. Review status: criteria provided, single submitter. Criteria: CeGaT Center For Human Genetics Tuebingen Variant Classification Criteria Version 2. Collection method: clinical testing. Allele origin: germline. Affected: yes. Observed: 1 variant allele.

Juno Genomics, Hangzhou Juno Genomics, Inc
Classification: Likely pathogenic for Hypotonia, ataxia, and delayed development syndrome. Review status: criteria provided, single submitter. Criteria: ACMG Guidelines, 2015. Collection method: clinical testing. Allele origin: germline. Affected: yes.
Comment: Absent from controls (or at extremely low frequency if recessive) in Genome Aggregation Database.;Multiple lines of computational evidence support a deleterious effect on the gene or gene product.;Missense variant in a gene that has a low rate of benign missense variation.;Assumed de novo, but without confirmation of paternity and maternity.;Patient's phenotype or family history is highly specific for a disease with a single genetic etiology.